The following is an entry in ClinVar:

NM_020366.4(RPGRIP1):c.1078-1G>A

Gene: RPGRIP1 (RPGR interacting protein 1; plus strand). Cytogenetic location: 14q11.2.
Variant type: single nucleotide variant.
Coding change: c.1078-1G>A on transcript NM_020366.4 (MANE Select); the canonical splice acceptor site of the intron before coding-DNA position 1078, G replaced by A.
Molecular consequence: splice acceptor variant.
Genome position (GRCh38, 1-based): chr14:21,312,432, G>A. VCF-style: chr14-21312432-G-A. GRCh37 (hg19) VCF-style: chr14-21780591-G-A.
Identifiers: ClinVar variation 2574312 (VCV002574312.2), dbSNP rs773592041, ClinGen allele CA7088865.

ClinVar aggregate classification (germline): Conflicting classifications of pathogenicity. Review status: criteria provided, conflicting classifications (1 of 4 stars). 2 submissions from 2 submitters: Likely pathogenic (1); Uncertain significance (1). Last evaluated 2023-01-26.

Allele frequency attached by ClinVar (database versions not stated): gnomAD exomes 0.00001; ExAC 0.00002; gnomAD 0.00002; TOPMed 0.00002.
gnomAD v4.1: 19 of 1,601,690 alleles (0.0012%); highest among the groups gnomAD compares: Non-Finnish European, 0.0016%; no homozygotes.

Submissions (2):

GeneDx
Classification: Likely pathogenic. Last evaluated: 2023-01-26. Review status: criteria provided, single submitter. Criteria: GeneDx Variant Classification Process June 2021. Collection method: clinical testing. Allele origin: germline. Affected: yes.
Comment: Canonical splice site variant predicted to result in a null allele in a gene for which loss of function is a known mechanism of disease; Not observed at significant frequency in large population cohorts (gnomAD); Has not been previously published as pathogenic or benign to our knowledge

Blueprint Genetics
Classification: Uncertain significance. Last evaluated: 2021-10-08. Review status: criteria provided, single submitter. Criteria: ACMG Guidelines, 2015. Collection method: clinical testing. Allele origin: germline.